The following is an entry in ClinVar:

NM_006231.4(POLE):c.5776A>G (p.Lys1926Glu)

Gene: POLE (DNA polymerase epsilon, catalytic subunit; minus strand). Cytogenetic location: 12q24.33.
Variant type: single nucleotide variant.
Coding change: c.5776A>G on transcript NM_006231.4 (MANE Select); coding-DNA position 5776, A replaced by G.
Protein change: p.Lys1926Glu; replaces lysine 1926 with glutamic acid.
Molecular consequence: missense variant.
Genome position (GRCh38, 1-based): chr12:132,635,927, T>C on the plus strand (A>G on the coding strand, the complement: POLE is on the minus strand). VCF-style: chr12-132635927-T-C. GRCh37 (hg19) VCF-style: chr12-133212513-T-C.
Other names: short protein forms K1926E.
Identifiers: ClinVar variation 961013 (VCV000961013.12), dbSNP rs781099396, ClinGen allele CA6892399.

ClinVar aggregate classification (germline): Uncertain significance. Review status: criteria provided, multiple submitters, no conflicts (2 of 4 stars). 3 submissions from 3 submitters: Uncertain significance (3). Last evaluated 2025-02-27.

Conditions:
Hereditary cancer-predisposing syndrome. Also called: Tumor predisposition; Hereditary neoplastic syndrome; Neoplastic Syndromes, Hereditary; Hereditary Cancer Syndrome. Identifiers: Orphanet 140162, MedGen C0027672, MeSH D009386, MONDO:0015356.

Allele frequency attached by ClinVar (database versions not stated): gnomAD exomes 0.00001 and 0.00002; ExAC 0.00003.
gnomAD v4.1: 11 of 1,613,810 alleles (0.00068%); highest among the groups gnomAD compares: South Asian, 0.011%; no homozygotes.

Submissions (3):

Ambry Genetics
Classification: Uncertain significance for Hereditary cancer-predisposing syndrome. Last evaluated: 2025-02-27. Review status: criteria provided, single submitter. Criteria: Ambry Variant Classification Scheme 2023. Collection method: clinical testing. Allele origin: germline.
Comment: The p.K1926E variant (also known as c.5776A>G), located in coding exon 42 of the POLE gene, results from an A to G substitution at nucleotide position 5776. The lysine at codon 1926 is replaced by glutamic acid, an amino acid with similar properties. This amino acid position is highly conserved in available vertebrate species. In addition, the in silico prediction for this alteration is inconclusive. Based on the available evidence, the clinical significance of this variant remains unclear.

Labcorp Genetics (formerly Invitae), Labcorp
Classification: Uncertain significance. Last evaluated: 2023-10-22. Review status: criteria provided, single submitter. Criteria: Invitae Variant Classification Sherloc (09022015). Collection method: clinical testing. Allele origin: germline.
Comment: This sequence change replaces lysine, which is basic and polar, with glutamic acid, which is acidic and polar, at codon 1926 of the POLE protein (p.Lys1926Glu). This variant is present in population databases (rs781099396, gnomAD 0.01%). This variant has not been reported in the literature in individuals affected with POLE-related conditions. ClinVar contains an entry for this variant (Variation ID: 961013). Advanced modeling of protein sequence and biophysical properties (such as structural, functional, and spatial information, amino acid conservation, physicochemical variation, residue mobility, and thermodynamic stability) performed at Invitae indicates that this missense variant is not expected to disrupt POLE protein function. In summary, the available evidence is currently insufficient to determine the role of this variant in disease. Therefore, it has been classified as a Variant of Uncertain Significance.

GeneDx
Classification: Uncertain significance. Last evaluated: 2022-05-13. Review status: criteria provided, single submitter. Criteria: GeneDx Variant Classification Process June 2021. Collection method: clinical testing. Allele origin: germline. Affected: yes.
Comment: Not observed at significant frequency in large population cohorts (gnomAD); In silico analysis supports that this missense variant does not alter protein structure/function; Has not been previously published as pathogenic or benign to our knowledge